The following is an entry in ClinVar:

NM_001243133.2(NLRP3):c.1597C>A (p.Leu533Met)

Gene: NLRP3 (NLR family pyrin domain containing 3; plus strand). Cytogenetic location: 1q44.
Variant type: single nucleotide variant.
Coding change: c.1597C>A on transcript NM_001243133.2 (MANE Select); coding-DNA position 1597, C replaced by A.
Protein change: p.Leu533Met; replaces leucine 533 with methionine.
Molecular consequence: missense variant.
Genome position (GRCh38, 1-based): chr1:247,425,046, C>A. VCF-style: chr1-247425046-C-A. GRCh37 (hg19) VCF-style: chr1-247588348-C-A.
Other names: c.1597C>A, p.Leu533Met (NM_001079821.3, NM_001127461.3, NM_001127462.3 and 1 more transcripts); c.1603C>A, p.Leu535Met (NM_004895.5); short protein forms L533M, L535M.
Identifiers: ClinVar variation 3774220 (VCV003774220.1).
Genomic context (GRCh38, chr1:247,425,046, plus strand): 5'-GAGAAGTTCTACAGCTTCATCCACATGACTTTCCAGGAGTTCTTTGCCGCCATGTACTAC[C>A]TGCTGGAAGAGGAAAAGGAAGGAAGGACGAACGTTCCAGGGAGTCGTTTGAAGCTTCCCA-3'
Protein context (NP_001230062.1, residues 523-543): FQEFFAAMYY[Leu533Met]LEEEKEGRTN

ClinVar aggregate classification (germline): Uncertain significance (1 of 4 stars; one submission).

Submission:

GeneDx
Classification: Uncertain significance. Last evaluated: 2024-09-18. Review status: criteria provided, single submitter. Criteria: GeneDx Variant Classification Process June 2021. Collection method: clinical testing. Allele origin: germline. Affected: yes.
Comment: Not observed at significant frequency in large population cohorts (gnomAD); In silico analysis indicates that this missense variant does not alter protein structure/function; Has not been previously published as pathogenic or benign to our knowledge; Also known as p.L533M; This variant is associated with the following publications: (PMID: 19302049)